The following is an entry in ClinVar:

NM_000169.3(GLA):c.149T>G (p.Phe50Cys)

Genes: GLA (galactosidase alpha; minus strand), RPL36A-HNRNPH2 (RPL36A-HNRNPH2 readthrough; plus strand). Cytogenetic location: Xq22.1.
Variant type: single nucleotide variant.
Coding change: c.149T>G on transcript NM_000169.3 (MANE Select); coding-DNA position 149, T replaced by G.
Protein change: p.Phe50Cys; replaces phenylalanine 50 with cysteine.
Molecular consequence: missense variant. On other transcripts: non-coding transcript variant (3), intron variant (2).
Genome position (GRCh38, 1-based): chrX:101,407,755, A>C on the plus strand (T>G on the coding strand, the complement: GLA is on the minus strand). VCF-style: chrX-101407755-A-C. GRCh37 (hg19) VCF-style: chrX-100662743-A-C.
Other names: c.149T>G, p.Phe50Cys (NM_001406747.1, NM_001406748.1, NM_001406749.1); c.301-4181A>C (NM_001199973.2); c.178-4181A>C (NM_001199974.2); short protein forms F50C.
Identifiers: ClinVar variation 3724334 (VCV003724334.5).

ClinVar aggregate classification (germline): Pathogenic/Likely pathogenic. Review status: criteria provided, multiple submitters, no conflicts (2 of 4 stars). 3 submissions from 3 submitters: Pathogenic (1); Likely pathogenic (2). Last evaluated 2026-09-08.

Conditions:
Cardiovascular phenotype. Identifiers: MedGen CN230736.
Fabry disease. Also called: ALPHA-GALACTOSIDASE A DEFICIENCY; Fabry's disease; Ceramide trihexosidosis; Angiokeratoma corporis diffusum; ANDERSON-FABRY DISEASE; CERAMIDE TRIHEXOSIDASE DEFICIENCY. Identifiers: Orphanet 324, MedGen C0002986, MONDO:0010526, OMIM 301500, HP:0001071. Disease mechanism: loss of function, Fabry disease is due to inactivating mutations in the X-linked GLA gene resulting in deficiency of the enzyme Alpha Galactosidase-A..

Submissions (3):

Genomenon, Inc
Classification: Pathogenic for Fabry disease. Last evaluated: 2026-09-08. Review status: criteria provided, single submitter. Criteria: Genomenon Sequence Variant Interpretation Standards - Updated. Collection method: curation. Allele origin: germline. Affected: yes.
Comment: GLA p.Phe50Cys (c.149T>G) is a missense variant that changes the amino acid at codon 50 from Phenylalanine to Cysteine. This variant has been observed in at least one proband with clinical features consistent with Fabry disease (PMID:12175777). At least one functional study has demonstrated a substantial alteration in protein function relative to the wild-type (PMID:21598360;27657681). This variant is located in a mutational hotspot and/or important functional domain. It is absent or not present at a significant frequency in gnomAD. In silico models predict that this variant is possibly or probably damaging. In conclusion, we classify GLA p.Phe50Cys (c.149T>G) as a pathogenic variant.

Ambry Genetics
Classification: Likely pathogenic for Cardiovascular phenotype. Last evaluated: 2025-06-18. Review status: criteria provided, single submitter. Criteria: Ambry Variant Classification Scheme 2023. Collection method: clinical testing. Allele origin: germline.
Comment: The p.F50C variant (also known as c.149T>G), located in coding exon 1 of the GLA gene, results from a T to G substitution at nucleotide position 149. The phenylalanine at codon 50 is replaced by cysteine, an amino acid with highly dissimilar properties. This variant was reported in individual(s) with features consistent with Fabry disease (Shabbeer J et al. Mol Genet Metab, 2002 May;76:23-30). In an assay testing GLA function, this variant showed a functionally abnormal result (Benjamin ER et al. Genet Med, 2017 Apr;19:430-438). This variant is considered to be rare based on population cohorts in the Genome Aggregation Database (gnomAD). This amino acid position is highly conserved in available vertebrate species. In addition, this alteration is predicted to be deleterious by in silico analysis. Based on the majority of available evidence to date, this variant is likely to be pathogenic.

Labcorp Genetics (formerly Invitae), Labcorp
Classification: Likely pathogenic for Fabry disease. Last evaluated: 2024-02-13. Review status: criteria provided, single submitter. Criteria: Invitae Variant Classification Sherloc (09022015). Collection method: clinical testing. Allele origin: germline.
Comment: This sequence change replaces phenylalanine, which is neutral and non-polar, with cysteine, which is neutral and slightly polar, at codon 50 of the GLA protein (p.Phe50Cys). This variant is not present in population databases (gnomAD no frequency). This missense change has been observed in individual(s) with Fabry disease (PMID: 19387866; Invitae). Advanced modeling of protein sequence and biophysical properties (such as structural, functional, and spatial information, amino acid conservation, physicochemical variation, residue mobility, and thermodynamic stability) performed at Invitae indicates that this missense variant is expected to disrupt GLA protein function with a positive predictive value of 80%. Experimental studies have shown that this missense change affects GLA function (PMID: 21598360). In summary, the currently available evidence indicates that the variant is pathogenic, but additional data are needed to prove that conclusively. Therefore, this variant has been classified as Likely Pathogenic.

Literature cited by the submitters: PubMed 12175777 (cited by Genomenon, Inc and Ambry Genetics); PubMed 21598360 (cited by 3 submitters); PubMed 27657681 (cited by Genomenon, Inc and Ambry Genetics); PubMed 19387866 (cited by Ambry Genetics and Labcorp Genetics (formerly Invitae), Labcorp).